The following is an entry in ClinVar:

ClinVar aggregate classification (germline): Benign. Review status: criteria provided, multiple submitters, no conflicts (2 of 4 stars). 3 submissions from 2 submitters: Benign (3). Last evaluated 2018-01-13.

Conditions:
Chondrocalcinosis 2. Also called: Familial calcium pyrophosphate deposition; CALCIUM GOUT; CALCIUM PYROPHOSPHATE ARTHROPATHY. Identifiers: Orphanet 1416, MedGen C0856830, MONDO:0007319, OMIM 118600.
Craniometaphyseal dysplasia, autosomal dominant (CMDD). Identifiers: Orphanet 1522, MedGen C1852502, MONDO:0007397, OMIM 123000.

Allele frequency attached by ClinVar (database versions not stated): TOPMed 0.00011; gnomAD 0.00012 and 0.00013; 1000 Genomes Project 0.00060; 1000 Genomes Project 30x 0.00078.

Submissions (3):

Illumina Laboratory Services, Illumina
Classification: Benign for Chondrocalcinosis 2. Last evaluated: 2018-01-13. Review status: criteria provided, single submitter. Criteria: ICSL Variant Classification Criteria 13 December 2019. Collection method: clinical testing. Allele origin: germline.
Comment: This variant was observed in the ICSL laboratory as part of a predisposition screen in an ostensibly healthy population. It had not been previously curated by ICSL or reported in the Human Gene Mutation Database (HGMD: prior to June 1st, 2018), and was therefore a candidate for classification through an automated scoring system. Utilizing variant allele frequency, disease prevalence and penetrance estimates, and inheritance mode, an automated score was calculated to assess if this variant is too frequent to cause the disease. Based on the score and internal cut-off values, a variant classified as benign is not then subjected to further curation. The score for this variant resulted in a classification of benign for this disease.

Illumina Laboratory Services, Illumina
Classification: Benign for Craniometaphyseal dysplasia, autosomal dominant. Last evaluated: 2018-01-13. Review status: criteria provided, single submitter. Criteria: ICSL Variant Classification Criteria 13 December 2019. Collection method: clinical testing. Allele origin: germline.
Comment: the same text as in the submission from Illumina Laboratory Services, Illumina above.

Breakthrough Genomics
Classification: Benign. Review status: criteria provided, single submitter. Criteria: ACMG Guidelines, 2015. Collection method: not provided. Allele origin: germline. Inheritance: Autosomal dominant inheritance. Affected: yes.

NM_054027.6(ANKH):c.*4428T>C

Genes: ANKH (ANKH inorganic pyrophosphate transport regulator; minus strand), OTULIN (OTU deubiquitinase with linear linkage specificity; plus strand). Cytogenetic location: 5p15.2.
Variant type: single nucleotide variant.
Coding change: c.*4428T>C on transcript NM_054027.6 (MANE Select); 4428 bases downstream of the stop codon, T replaced by C.
Molecular consequence: 3 prime UTR variant.
Genome position (GRCh38, 1-based): chr5:14,706,769, A>G on the plus strand (T>C on the coding strand, the complement: ANKH is on the minus strand). VCF-style: chr5-14706769-A-G. GRCh37 (hg19) VCF-style: chr5-14706878-A-G.
Identifiers: ClinVar variation 904541 (VCV000904541.5), dbSNP rs563509166, ClinGen allele CA114019948.